The following is an entry in ClinVar:

NM_016169.4(SUFU):c.382A>C (p.Thr128Pro)

Gene: SUFU (SUFU negative regulator of hedgehog signaling; plus strand). Cytogenetic location: 10q24.32.
Variant type: single nucleotide variant.
Coding change: c.382A>C on transcript NM_016169.4 (MANE Select); coding-DNA position 382, A replaced by C.
Protein change: p.Thr128Pro; replaces threonine 128 with proline.
Molecular consequence: missense variant.
Genome position (GRCh38, 1-based): chr10:102,550,034, A>C. VCF-style: chr10-102550034-A-C. GRCh37 (hg19) VCF-style: chr10-104309791-A-C.
Other names: c.382A>C, p.Thr128Pro (NM_001178133.2); short protein forms T128P.
Identifiers: ClinVar variation 3963871 (VCV003963871.1).

ClinVar aggregate classification (germline): Uncertain significance (1 of 4 stars; one submission).

Conditions:
Hereditary cancer-predisposing syndrome. Also called: Tumor predisposition; Hereditary neoplastic syndrome; Hereditary Cancer Syndrome; Neoplastic Syndromes, Hereditary. Identifiers: Orphanet 140162, MedGen C0027672, MeSH D009386, MONDO:0015356.

Submission:

Ambry Genetics
Classification: Uncertain significance for Hereditary cancer-predisposing syndrome. Last evaluated: 2025-05-31. Review status: criteria provided, single submitter. Criteria: Ambry Variant Classification Scheme 2023. Collection method: clinical testing. Allele origin: germline.
Comment: The p.T128P variant (also known as c.382A>C), located in coding exon 3 of the SUFU gene, results from an A to C substitution at nucleotide position 382. The threonine at codon 128 is replaced by proline, an amino acid with highly similar properties. This amino acid position is conserved. In addition, this alteration is predicted to be tolerated by in silico analysis. Based on the available evidence, the clinical significance of this variant remains unclear.